The following is an entry in ClinVar:

NM_001365088.1(SLC12A6):c.2180dup (p.Gly727_Asp728insTer)

Gene: SLC12A6 (solute carrier family 12 member 6; minus strand). Cytogenetic location: 15q14.
Variant type: Duplication.
Coding change: c.2180dup on transcript NM_001365088.1 (MANE Select); coding-DNA position 2180, one base duplicated (G; older notation c.2180dupG).
Protein change: p.Gly727_Asp728insTer.
Molecular consequence: frameshift variant.
Genome position (GRCh38, 1-based): chr15:34,241,320, C duplicated on the plus strand (G on the coding strand, the reverse complement: SLC12A6 is on the minus strand); the first of 4 consecutive C bases (chr15:34,241,320-34,241,323); duplicating any one gives the same sequence. VCF-style (leftmost placement, unchanged base first): chr15-34241319-A-AC. GRCh37 (hg19) VCF-style: chr15-34533520-A-AC.
Other names: c.2003dup, p.Gly668_Asp669insTer (NM_001042494.2, NM_001042495.2); c.2153dup, p.Gly718_Asp719insTer (NM_001042496.2); c.2135dup, p.Gly712_Asp713insTer (NM_001042497.2); c.2027dup, p.Gly676_Asp677insTer (NM_005135.2); c.2180dup, p.Gly727_Asp728insTer (NM_133647.2).
Identifiers: ClinVar variation 2678746 (VCV002678746.3), dbSNP rs2509764361, ClinGen allele CA2575668427.

ClinVar aggregate classification (germline): Pathogenic/Likely pathogenic. Review status: criteria provided, multiple submitters, no conflicts (2 of 4 stars). 2 submissions from 2 submitters: Pathogenic (1); Likely pathogenic (1). Last evaluated 2024-04-06.

Conditions:
Agenesis of the corpus callosum with peripheral neuropathy (ACCPN). Also called: Hereditary Motor and Sensory Neuropathy with Agenesis of the Corpus Callosum; HMSN/ACC; CHARLEVOIX DISEASE; POLYNEUROPATHY, SENSORIMOTOR, WITH OR WITHOUT AGENESIS OF THE CORPUS CALLOSUM. Identifiers: Orphanet 1496, MedGen C0795950, MONDO:0000902, OMIM 218000. Disease mechanism: loss of function.

Submissions (2):

Labcorp Genetics (formerly Invitae), Labcorp
Classification: Pathogenic. Last evaluated: 2024-04-06. Review status: criteria provided, single submitter. Criteria: Invitae Variant Classification Sherloc (09022015). Collection method: clinical testing. Allele origin: germline.
Comment: This sequence change creates a premature translational stop signal (p.Asp728*) in the SLC12A6 gene. It is expected to result in an absent or disrupted protein product. Loss-of-function variants in SLC12A6 are known to be pathogenic (PMID: 12368912, 16606917). This variant is not present in population databases (gnomAD no frequency). This variant has not been reported in the literature in individuals affected with SLC12A6-related conditions. For these reasons, this variant has been classified as Pathogenic.

Baylor Genetics
Classification: Likely pathogenic for Agenesis of the corpus callosum with peripheral neuropathy. Last evaluated: 2023-05-09. Review status: criteria provided, single submitter. Criteria: ACMG Guidelines, 2015. Collection method: clinical testing. Allele origin: unknown.

Literature cited by the submitters: PubMed 12368912 (cited by Labcorp Genetics (formerly Invitae), Labcorp); PubMed 16606917 (cited by Labcorp Genetics (formerly Invitae), Labcorp).